The following is an entry in ClinVar:

NM_012463.4(ATP6V0A2):c.*3357G>C

Gene: ATP6V0A2 (ATPase H+ transporting V0 subunit a2; plus strand). Cytogenetic location: 12q24.31.
Variant type: single nucleotide variant.
Coding change: c.*3357G>C on transcript NM_012463.4 (MANE Select); 3357 bases downstream of the stop codon, G replaced by C.
Molecular consequence: 3 prime UTR variant.
Genome position (GRCh38, 1-based): chr12:123,761,389, G>C. VCF-style: chr12-123761389-G-C. GRCh37 (hg19) VCF-style: chr12-124245936-G-C.
Identifiers: ClinVar variation 882409 (VCV000882409.4), dbSNP rs7297473, ClinGen allele CA245167934.
Genomic context (GRCh38, chr12:123,761,389, plus strand): 5'-CACCTATTCTACAGTCCGCATTTAAAACAATAAATTCCTCTATTAAAAACGTAAAGCCGG[G>C]TTTGCTTGCGTGCCACAGGGAATATATCCAGGAAGGTTATTATGAAGCTGTCAAATCAAG-3'

ClinVar aggregate classification (germline): Benign (1 of 4 stars; one submission).

Conditions:
Cutis laxa with osteodystrophy (ARCL2A). Also called: CUTIS LAXA WITH CONGENITAL DISORDER OF GLYCOSYLATION; Autosomal recessive cutis laxa type 2A; CUTIS LAXA, AUTOSOMAL RECESSIVE, TYPE IIA; Debré-Type Cutis Laxa; CUTIS LAXA WITH BONE DYSTROPHY; CUTIS LAXA WITH GROWTH AND DEVELOPMENTAL DELAY. Identifiers: Orphanet 357058, MedGen C0268355, MONDO:0018163, OMIM 219200. Disease mechanism: loss of function.

Allele frequency attached by ClinVar (database versions not stated): gnomAD 0.00748 and 0.00700; TOPMed 0.00807; 1000 Genomes Project 30x 0.00828; 1000 Genomes Project 0.00859.

Submission:

Illumina Laboratory Services, Illumina
Classification: Benign for Cutis laxa with osteodystrophy. Last evaluated: 2018-01-12. Review status: criteria provided, single submitter. Criteria: ICSL Variant Classification Criteria 13 December 2019. Collection method: clinical testing. Allele origin: germline.
Comment: This variant was observed in the ICSL laboratory as part of a predisposition screen in an ostensibly healthy population. It had not been previously curated by ICSL or reported in the Human Gene Mutation Database (HGMD: prior to June 1st, 2018), and was therefore a candidate for classification through an automated scoring system. Utilizing variant allele frequency, disease prevalence and penetrance estimates, and inheritance mode, an automated score was calculated to assess if this variant is too frequent to cause the disease. Based on the score and internal cut-off values, a variant classified as benign is not then subjected to further curation. The score for this variant resulted in a classification of benign for this disease.